The following is an entry in ClinVar:

NC_000017.10:g.(?_44108822)_(44128090_?)dup

Gene: KANSL1 (KAT8 regulatory NSL complex subunit 1). Cytogenetic location: 17q21.31.
Variant type: Duplication.
Identifiers: ClinVar variation 583790 (VCV000583790.4).

ClinVar aggregate classification (germline): Uncertain significance (1 of 4 stars; one submission).

Conditions:
Koolen-de Vries syndrome (KDVS). Identifiers: Orphanet 96169, MedGen C1864871, MONDO:0012496, OMIM 610443.

Submission:

Labcorp Genetics (formerly Invitae), Labcorp
Classification: Uncertain significance for Koolen-de Vries syndrome. Last evaluated: 2020-01-21. Review status: criteria provided, single submitter. Criteria: Invitae Variant Classification Sherloc (09022015). Collection method: clinical testing. Allele origin: germline.
Comment: In summary, the exact genomic location of this variant is unknown and the impact of this duplication on KANSL1 protein function has not been established. Therefore, it has been classified as a Variant of Uncertain Significance. This variant has not been reported in the literature in individuals with KANSL1-related disease. This variant is a gross duplication of the genomic region encompassing exons 7-15 of the KANSL1 gene. The 5' boundary is likely confined to intron 6. The 3' end of this event is unknown as it extends beyond the assayed region for this gene and therefore may encompass additional genes. The exact location of this variant in the genome is unknown.